The following is an entry in ClinVar:

ClinVar aggregate classification (germline): Uncertain significance. Review status: criteria provided, multiple submitters, no conflicts (2 of 4 stars). 2 submissions from 2 submitters: Uncertain significance (2). Last evaluated 2025-08-27.

Conditions:
Inborn genetic diseases. Identifiers: MedGen C0950123, MeSH D030342.

Allele frequency attached by ClinVar (database versions not stated): gnomAD exomes 0.00001 and 0.00002; ExAC 0.00003; TOPMed 0.00003; gnomAD 0.00005; ESP Exome Variant Server 0.00008.
gnomAD v4.1: 10 of 1,614,044 alleles (0.00062%); highest among the groups gnomAD compares: African/African-American, 0.013%; no homozygotes.

Submissions (2):

Ambry Genetics
Classification: Uncertain significance for Inborn genetic diseases. Last evaluated: 2025-08-27. Review status: criteria provided, single submitter. Criteria: Ambry Variant Classification Scheme 2023. Collection method: clinical testing. Allele origin: germline.

Labcorp Genetics (formerly Invitae), Labcorp
Classification: Uncertain significance. Last evaluated: 2022-06-20. Review status: criteria provided, single submitter. Criteria: Invitae Variant Classification Sherloc (09022015). Collection method: clinical testing. Allele origin: germline.
Comment: This variant has not been reported in the literature in individuals affected with PDE6A-related conditions. In summary, the available evidence is currently insufficient to determine the role of this variant in disease. Therefore, it has been classified as a Variant of Uncertain Significance. Algorithms developed to predict the effect of missense changes on protein structure and function are either unavailable or do not agree on the potential impact of this missense change (SIFT: "Deleterious"; PolyPhen-2: "Probably Damaging"; Align-GVGD: "Class C0"). ClinVar contains an entry for this variant (Variation ID: 1023232). This variant is present in population databases (rs375091822, gnomAD 0.03%). This sequence change replaces glutamic acid, which is acidic and polar, with glutamine, which is neutral and polar, at codon 417 of the PDE6A protein (p.Glu417Gln).

NM_000440.3(PDE6A):c.1249G>C (p.Glu417Gln)

Gene: PDE6A (phosphodiesterase 6A; minus strand). Cytogenetic location: 5q32.
Variant type: single nucleotide variant.
Coding change: c.1249G>C on transcript NM_000440.3 (MANE Select); coding-DNA position 1249, G replaced by C.
Protein change: p.Glu417Gln; replaces glutamic acid 417 with glutamine.
Molecular consequence: missense variant.
Genome position (GRCh38, 1-based): chr5:149,899,389, C>G on the plus strand (G>C on the coding strand, the complement: PDE6A is on the minus strand). VCF-style: chr5-149899389-C-G. GRCh37 (hg19) VCF-style: chr5-149278952-C-G.
Other names: c.1249G>C (NM_000440.2); short protein forms E417Q.
Identifiers: ClinVar variation 1023232 (VCV001023232.11), dbSNP rs375091822, ClinGen allele CA3504754.
Genomic context (GRCh38, chr5:149,899,389, plus strand): 5'-GCTGACTCTGAATCCCAACAGCAAAAGGCCTCCTAGCAAGCCATACCTCCATGAGCGTCT[C>G]ATCCATTTCATCAAAGGGCTTCCCATCTTTACGATTGTAAAATGTGGCCACTCCAACAAT-3'
Protein context (NP_000431.2, residues 407-427): KDGKPFDEMD[Glu417Gln]TLMESLTQFL